The following is an entry in ClinVar:

ClinVar aggregate classification (germline): Likely benign (1 of 4 stars; one submission).

Conditions:
Non-acquired combined pituitary hormone deficiency with spine abnormalities (CPHD3). Also called: Winkelman Bethge Pfeiffer syndrome; WBP syndrome; Combined pituitary hormone deficiency type 3. Identifiers: Orphanet 231720, MedGen C3489787, MONDO:0009091, OMIM 221750.

Allele frequency attached by ClinVar (database versions not stated): 1000 Genomes Project 30x 0.00609; gnomAD 0.00653 and 0.00714; 1000 Genomes Project 0.00659; TOPMed 0.00747.

Submission:

Illumina Laboratory Services, Illumina
Classification: Likely benign for Non-acquired combined pituitary hormone deficiency with spine abnormalities. Last evaluated: 2018-01-12. Review status: criteria provided, single submitter. Criteria: ICSL Variant Classification Criteria 13 December 2019. Collection method: clinical testing. Allele origin: germline.
Comment: This variant was observed in the ICSL laboratory as part of a predisposition screen in an ostensibly healthy population. It had not been previously curated by ICSL or reported in the Human Gene Mutation Database (HGMD: prior to June 1st, 2018), and was therefore a candidate for classification through an automated scoring system. Utilizing variant allele frequency, disease prevalence and penetrance estimates, and inheritance mode, an automated score was calculated to assess if this variant is too frequent to cause the disease. Based on the score and internal cut-off values, a variant classified as likely benign is not then subjected to further curation. The score for this variant resulted in a classification of likely benign for this disease.

NM_178138.6(LHX3):c.*747C>G

Gene: LHX3 (LIM homeobox 3; minus strand). Cytogenetic location: 9q34.3.
Variant type: single nucleotide variant.
Coding change: c.*747C>G on transcript NM_178138.6 (MANE Select); 747 bases downstream of the stop codon, C replaced by G.
Molecular consequence: 3 prime UTR variant.
Genome position (GRCh38, 1-based): chr9:136,196,578, G>C on the plus strand (C>G on the coding strand, the complement: LHX3 is on the minus strand). VCF-style: chr9-136196578-G-C. GRCh37 (hg19) VCF-style: chr9-139088424-G-C.
Other names: c.*747C>G (NM_001363746.1, NM_014564.5).
Identifiers: ClinVar variation 914235 (VCV000914235.4), dbSNP rs146752425, ClinGen allele CA201527347.